The following is an entry in ClinVar:

NM_005529.7(HSPG2):c.5161G>A (p.Gly1721Ser)

Gene: HSPG2 (heparan sulfate proteoglycan 2; minus strand). Cytogenetic location: 1p36.12.
Variant type: single nucleotide variant.
Coding change: c.5161G>A on transcript NM_005529.7 (MANE Select); coding-DNA position 5161, G replaced by A.
Protein change: p.Gly1721Ser; replaces glycine 1721 with serine.
Molecular consequence: missense variant.
Genome position (GRCh38, 1-based): chr1:21,859,856, C>T on the plus strand (G>A on the coding strand, the complement: HSPG2 is on the minus strand). VCF-style: chr1-21859856-C-T. GRCh37 (hg19) VCF-style: chr1-22186349-C-T.
Other names: c.5164G>A, p.Gly1722Ser (NM_001291860.2); short protein forms G1721S, G1722S.
Identifiers: ClinVar variation 1991216 (VCV001991216.1), dbSNP rs527364706, ClinGen allele CA672043.

ClinVar aggregate classification (germline): Uncertain significance (1 of 4 stars; one submission).

Allele frequency attached by ClinVar (database versions not stated): gnomAD exomes 0.00002; gnomAD 0.00003; ExAC 0.00004; TOPMed 0.00005.
gnomAD v4.1: 38 of 1,611,514 alleles (0.0024%); highest among the groups gnomAD compares: East Asian, 0.031%; no homozygotes.

Submission:

Labcorp Genetics (formerly Invitae), Labcorp
Classification: Uncertain significance. Last evaluated: 2022-07-11. Review status: criteria provided, single submitter. Criteria: Invitae Variant Classification Sherloc (09022015). Collection method: clinical testing. Allele origin: germline.
Comment: This sequence change replaces glycine, which is neutral and non-polar, with serine, which is neutral and polar, at codon 1721 of the HSPG2 protein (p.Gly1721Ser). This variant is present in population databases (rs527364706, gnomAD 0.02%). This variant has not been reported in the literature in individuals affected with HSPG2-related conditions. Algorithms developed to predict the effect of missense changes on protein structure and function output the following: SIFT: "Tolerated"; PolyPhen-2: "Benign"; Align-GVGD: "Class C0". The serine amino acid residue is found in multiple mammalian species, which suggests that this missense change does not adversely affect protein function. Algorithms developed to predict the effect of sequence changes on RNA splicing suggest that this variant may create or strengthen a splice site. In summary, the available evidence is currently insufficient to determine the role of this variant in disease. Therefore, it has been classified as a Variant of Uncertain Significance.